The following is an entry in ClinVar:

NM_014297.5(ETHE1):c.178C>T (p.Arg60Trp)

Gene: ETHE1 (ETHE1 persulfide dioxygenase; minus strand). Cytogenetic location: 19q13.31.
Variant type: single nucleotide variant.
Coding change: c.178C>T on transcript NM_014297.5 (MANE Select); coding-DNA position 178, C replaced by T.
Protein change: p.Arg60Trp; replaces arginine 60 with tryptophan.
Molecular consequence: missense variant. On other transcripts: 5 prime UTR variant (1), intron variant (1).
Genome position (GRCh38, 1-based): chr19:43,526,563, G>A on the plus strand (C>T on the coding strand, the complement: ETHE1 is on the minus strand). VCF-style: chr19-43526563-G-A. GRCh37 (hg19) VCF-style: chr19-44030715-G-A.
Other names: c.178C>T, p.Arg60Trp (NM_001320867.2); c.-43C>T (NM_001320868.2); c.81+534C>T (NM_001320869.2); short protein forms R60W.
Identifiers: ClinVar variation 1450521 (VCV001450521.3), dbSNP rs2146019729, ClinGen allele CA406181152.

ClinVar aggregate classification (germline): Uncertain significance (1 of 4 stars; one submission).

Conditions:
Ethylmalonic encephalopathy (EE). Also called: Syndrome of encephalopathy, petechiae, and ethylmalonic aciduria; EPEMA syndrome; Encephalopathy, petechiae, and ethylmalonic aciduria. Identifiers: Orphanet 51188, MedGen C1865349, MONDO:0011229, OMIM 602473. Disease mechanism: loss of function.

Submission:

Labcorp Genetics (formerly Invitae), Labcorp
Classification: Uncertain significance for Ethylmalonic encephalopathy. Last evaluated: 2022-07-06. Review status: criteria provided, single submitter. Criteria: Invitae Variant Classification Sherloc (09022015). Collection method: clinical testing. Allele origin: germline.
Comment: This sequence change replaces arginine, which is basic and polar, with tryptophan, which is neutral and slightly polar, at codon 60 of the ETHE1 protein (p.Arg60Trp). This variant is not present in population databases (gnomAD no frequency). This variant has not been reported in the literature in individuals affected with ETHE1-related conditions. ClinVar contains an entry for this variant (Variation ID: 1450521). Advanced modeling of protein sequence and biophysical properties (such as structural, functional, and spatial information, amino acid conservation, physicochemical variation, residue mobility, and thermodynamic stability) performed at Invitae indicates that this missense variant is expected to disrupt ETHE1 protein function. In summary, the available evidence is currently insufficient to determine the role of this variant in disease. Therefore, it has been classified as a Variant of Uncertain Significance.